The following is an entry in ClinVar:

ClinVar aggregate classification (germline): Uncertain significance. Review status: criteria provided, multiple submitters, no conflicts (2 of 4 stars). 2 submissions from 2 submitters: Uncertain significance (2). Last evaluated 2024-12-02.

Submissions (2):

GeneDx
Classification: Uncertain significance. Last evaluated: 2024-12-02. Review status: criteria provided, single submitter. Criteria: GeneDx Variant Classification Process June 2021. Collection method: clinical testing. Allele origin: germline. Affected: yes.
Comment: Not observed at significant frequency in large population cohorts (gnomAD); In silico analysis indicates that this missense variant does not alter protein structure/function; Has not been previously published as pathogenic or benign to our knowledge

Women's Health and Genetics/Laboratory Corporation of America, LabCorp
Classification: Uncertain significance. Last evaluated: 2024-05-06. Review status: criteria provided, single submitter. Criteria: LabCorp Variant Classification Summary - May 2015. Collection method: clinical testing. Allele origin: germline.
Comment: Variant summary: HUWE1 c.5847G>C (p.Met1949Ile) results in a conservative amino acid change in the encoded protein sequence. Four of five in-silico tools predict a benign effect of the variant on protein function. The variant was absent in 181113 control chromosomes. The available data on variant occurrences in the general population are insufficient to allow any conclusion about variant significance. To our knowledge, no occurrence of c.5847G>C in individuals affected with Intellectual Disability, X-Linked Syndromic, Turner Type and no experimental evidence demonstrating its impact on protein function have been reported. No submitters have cited clinical-significance assessments for this variant to ClinVar. Based on the evidence outlined above, the variant was classified as uncertain significance.

NM_031407.7(HUWE1):c.5847G>C (p.Met1949Ile)

Gene: HUWE1 (HECT, UBA and WWE domain containing E3 ubiquitin protein ligase 1; minus strand). Cytogenetic location: Xp11.22.
Variant type: single nucleotide variant.
Coding change: c.5847G>C on transcript NM_031407.7 (MANE Select); coding-DNA position 5847, G replaced by C.
Protein change: p.Met1949Ile; replaces methionine 1949 with isoleucine.
Molecular consequence: missense variant.
Genome position (GRCh38, 1-based): chrX:53,576,937, C>G on the plus strand (G>C on the coding strand, the complement: HUWE1 is on the minus strand). VCF-style: chrX-53576937-C-G. GRCh37 (hg19) VCF-style: chrX-53603897-C-G.
Other names: c.5847G>C (NM_031407.4); short protein forms M1949I.
Identifiers: ClinVar variation 3336177 (VCV003336177.2).